The following is an entry in ClinVar:

ClinVar aggregate classification (germline): Uncertain significance. Review status: criteria provided, multiple submitters, no conflicts (2 of 4 stars). 2 submissions from 2 submitters: Uncertain significance (2). Last evaluated 2023-05-31.

Conditions:
Spondylodysplastic Ehlers-Danlos syndrome. Identifiers: Orphanet 536471, Orphanet 75496, MedGen C5680154, MONDO:0007526.
Inborn genetic diseases. Identifiers: MedGen C0950123, MeSH D030342.

Allele frequency attached by ClinVar (database versions not stated): ExAC 0.00002; gnomAD 0.00003; TOPMed 0.00005.

Submissions (2):

Ambry Genetics
Classification: Uncertain significance for Inborn genetic diseases. Last evaluated: 2023-05-31. Review status: criteria provided, single submitter. Criteria: Ambry Variant Classification Scheme 2023. Collection method: clinical testing. Allele origin: germline.

Labcorp Genetics (formerly Invitae), Labcorp
Classification: Uncertain significance for Spondylodysplastic Ehlers-Danlos syndrome. Last evaluated: 2022-03-24. Review status: criteria provided, single submitter. Criteria: Invitae Variant Classification Sherloc (09022015). Collection method: clinical testing. Allele origin: germline.
Comment: This sequence change replaces glutamic acid, which is acidic and polar, with lysine, which is basic and polar, at codon 171 of the B4GALT7 protein (p.Glu171Lys). This variant is present in population databases (rs201868342, gnomAD 0.02%). This variant has not been reported in the literature in individuals affected with B4GALT7-related conditions. Algorithms developed to predict the effect of missense changes on protein structure and function are either unavailable or do not agree on the potential impact of this missense change (SIFT: "Tolerated"; PolyPhen-2: "Possibly Damaging"; Align-GVGD: "Class C0"). Algorithms developed to predict the effect of sequence changes on RNA splicing suggest that this variant may create or strengthen a splice site. In summary, the available evidence is currently insufficient to determine the role of this variant in disease. Therefore, it has been classified as a Variant of Uncertain Significance.

NM_007255.3(B4GALT7):c.511G>A (p.Glu171Lys)

Gene: B4GALT7 (beta-1,4-galactosyltransferase 7; plus strand). Cytogenetic location: 5q35.3.
Variant type: single nucleotide variant.
Coding change: c.511G>A on transcript NM_007255.3 (MANE Select); coding-DNA position 511, G replaced by A.
Protein change: p.Glu171Lys; replaces glutamic acid 171 with lysine.
Molecular consequence: missense variant.
Genome position (GRCh38, 1-based): chr5:177,607,399, G>A. VCF-style: chr5-177607399-G-A. GRCh37 (hg19) VCF-style: chr5-177034400-G-A.
Other names: c.511G>A (NM_007255.2); short protein forms E171K.
Identifiers: ClinVar variation 2145178 (VCV002145178.3), dbSNP rs201868342, ClinGen allele CA3586518.